The following is an entry in ClinVar:

ClinVar aggregate classification (germline): Uncertain significance (1 of 4 stars; one submission).

Conditions:
Koolen-de Vries syndrome (KDVS). Identifiers: Orphanet 96169, MedGen C1864871, MONDO:0012496, OMIM 610443.

Allele frequency attached by ClinVar (database versions not stated): gnomAD 0.00001; TOPMed 0.00001; ESP Exome Variant Server 0.00008.
gnomAD v4.1: 2 of 1,613,372 alleles (0.00012%); highest among the groups gnomAD compares: African/African-American, 0.0027%; no homozygotes.

Submission:

Labcorp Genetics (formerly Invitae), Labcorp
Classification: Uncertain significance for Koolen-de Vries syndrome. Last evaluated: 2025-07-15. Review status: criteria provided, single submitter. Criteria: Invitae Variant Classification Sherloc (09022015). Collection method: clinical testing. Allele origin: germline.
Comment: This sequence change replaces asparagine, which is neutral and polar, with tyrosine, which is neutral and polar, at codon 608 of the KANSL1 protein (p.Asn608Tyr). This variant is present in population databases (rs375533550, gnomAD 0.008%). This variant has not been reported in the literature in individuals affected with KANSL1-related conditions. ClinVar contains an entry for this variant (Variation ID: 1376462). Invitae Evidence Modeling of protein sequence and biophysical properties (such as structural, functional, and spatial information, amino acid conservation, physicochemical variation, residue mobility, and thermodynamic stability) indicates that this missense variant is not expected to disrupt KANSL1 protein function with a negative predictive value of 80%. In summary, the available evidence is currently insufficient to determine the role of this variant in disease. Therefore, it has been classified as a Variant of Uncertain Significance.

NM_015443.4(KANSL1):c.1822A>T (p.Asn608Tyr)

Gene: KANSL1 (KAT8 regulatory NSL complex subunit 1). Cytogenetic location: 17q21.31.
Variant type: single nucleotide variant.
Coding change: c.1822A>T on transcript NM_015443.4 (MANE Select); coding-DNA position 1822, A replaced by T.
Protein change: p.Asn608Tyr; replaces asparagine 608 with tyrosine.
Molecular consequence: missense variant.
Genome position (GRCh38, 1-based): chr17:46,066,563, T>A on the plus strand (A>T on the coding strand, the complement: KANSL1 is on the minus strand). VCF-style: chr17-46066563-T-A. GRCh37 (hg19) VCF-style: chr17-44143929-T-A.
Other names: c.1822A>T, p.Asn608Tyr (NM_001193465.2, NM_001193466.2, NM_001379198.1); short protein forms N608Y.
Identifiers: ClinVar variation 1376462 (VCV001376462.6), dbSNP rs375533550, ClinGen allele CA8618725.
Genomic context (GRCh38, chr17:46,066,563, plus strand): 5'-TGCTTGACAATGACCAACTCTCATCTGTACCGACCTTCTTGGAAAGAGGAACGATGCTGT[T>A]GGGTCGAACAAGCCTCCGCTTCTTACAGCTCAGTACAGGACGTGTCCGGGCTGCCACACA-3'
Protein context (NP_056258.1, residues 598-618): SCKKRRLVRP[Asn608Tyr]SIVPLSKKVH